The following is an entry in ClinVar:

ClinVar aggregate classification (germline): Uncertain significance. Review status: criteria provided, multiple submitters, no conflicts (2 of 4 stars). 2 submissions from 2 submitters: Uncertain significance (2). Last evaluated 2026-07-01.

Allele frequency attached by ClinVar (database versions not stated): gnomAD exomes below 0.00001; gnomAD 0.00001.
gnomAD v4.1: 4 of 1,614,100 alleles (0.00025%); highest among the groups gnomAD compares: African/African-American, 0.0027%; no homozygotes.

Submissions (2):

CeGaT Center for Human Genetics Tuebingen
Classification: Uncertain significance. Last evaluated: 2026-07-01. Review status: criteria provided, single submitter. Criteria: CeGaT Center For Human Genetics Tuebingen Variant Classification Criteria Version 2. Collection method: clinical testing. Allele origin: germline. Affected: yes. Observed: 1 variant allele.

Labcorp Genetics (formerly Invitae), Labcorp
Classification: Uncertain significance. Last evaluated: 2023-10-06. Review status: criteria provided, single submitter. Criteria: Invitae Variant Classification Sherloc (09022015). Collection method: clinical testing. Allele origin: germline.
Comment: This sequence change replaces leucine, which is neutral and non-polar, with phenylalanine, which is neutral and non-polar, at codon 1027 of the CNOT1 protein (p.Leu1027Phe). This variant is present in population databases (no rsID available, gnomAD 0.006%). This variant has not been reported in the literature in individuals affected with CNOT1-related conditions. ClinVar contains an entry for this variant (Variation ID: 1478593). An algorithm developed to predict the effect of missense changes on protein structure and function (PolyPhen-2) suggests that this variant is likely to be tolerated. In summary, the available evidence is currently insufficient to determine the role of this variant in disease. Therefore, it has been classified as a Variant of Uncertain Significance.

NM_016284.5(CNOT1):c.3094C>T (p.Leu1032Phe)

Gene: CNOT1 (CCR4-NOT transcription complex subunit 1; minus strand). Cytogenetic location: 16q21.
Variant type: single nucleotide variant.
Coding change: c.3094C>T on transcript NM_016284.5 (MANE Select); coding-DNA position 3094, C replaced by T.
Protein change: p.Leu1032Phe; replaces leucine 1032 with phenylalanine.
Molecular consequence: missense variant. On other transcripts: non-coding transcript variant (1).
Genome position (GRCh38, 1-based): chr16:58,551,696, G>A on the plus strand (C>T on the coding strand, the complement: CNOT1 is on the minus strand). VCF-style: chr16-58551696-G-A. GRCh37 (hg19) VCF-style: chr16-58585600-G-A.
Other names: c.3079C>T, p.Leu1027Phe (NM_001265612.2); c.3094C>T, p.Leu1032Phe (NM_206999.3); short protein forms L1027F, L1032F.
Identifiers: ClinVar variation 1478593 (VCV001478593.7), dbSNP rs1237208375, ClinGen allele CA396172864.